The following is an entry in ClinVar:

NM_032638.5(GATA2):c.1327C>G (p.Leu443Val)

Gene: GATA2 (GATA binding protein 2; minus strand). Cytogenetic location: 3q21.3.
Variant type: single nucleotide variant.
Coding change: c.1327C>G on transcript NM_032638.5 (MANE Select); coding-DNA position 1327, C replaced by G.
Protein change: p.Leu443Val; replaces leucine 443 with valine.
Molecular consequence: missense variant.
Genome position (GRCh38, 1-based): chr3:128,481,135, G>C on the plus strand (C>G on the coding strand, the complement: GATA2 is on the minus strand). VCF-style: chr3-128481135-G-C. GRCh37 (hg19) VCF-style: chr3-128199978-G-C.
Other names: c.1327C>G, p.Leu443Val (NM_001145661.2); c.1285C>G, p.Leu429Val (NM_001145662.1); short protein forms L443V, L429V.
Identifiers: ClinVar variation 4028488 (VCV004028488.1).

ClinVar aggregate classification (germline): Uncertain significance (1 of 4 stars; one submission).

Conditions:
Inborn genetic diseases. Identifiers: MedGen C0950123, MeSH D030342.

Submission:

Ambry Genetics
Classification: Uncertain significance for Inborn genetic diseases. Last evaluated: 2025-04-11. Review status: criteria provided, single submitter. Criteria: Ambry Variant Classification Scheme 2023. Collection method: clinical testing. Allele origin: germline.
Comment: The p.L443V variant (also known as c.1327C>G), located in coding exon 5 of the GATA2 gene, results from a C to G substitution at nucleotide position 1327. The leucine at codon 443 is replaced by valine, an amino acid with highly similar properties. This amino acid position is conserved. In addition, the in silico prediction for this alteration is inconclusive. Based on the available evidence, the clinical significance of this variant remains unclear.